The following is an entry in ClinVar:

NM_001042492.3(NF1):c.1701A>G (p.Val567=)

Gene: NF1 (neurofibromin 1; plus strand). Cytogenetic location: 17q11.2.
Variant type: single nucleotide variant.
Coding change: c.1701A>G on transcript NM_001042492.3 (MANE Select); coding-DNA position 1701, A replaced by G.
Protein change: p.Val567=; no amino-acid change (valine 567 retained).
Molecular consequence: synonymous variant.
Genome position (GRCh38, 1-based): chr17:31,221,909, A>G. VCF-style: chr17-31221909-A-G. GRCh37 (hg19) VCF-style: chr17-29548927-A-G.
Other names: c.1701A>G, p.Val567= (NM_000267.4, NM_001128147.3).
Identifiers: ClinVar variation 187554 (VCV000187554.23), dbSNP rs786203819, ClinGen allele CA197936.

ClinVar aggregate classification (germline): Conflicting classifications of pathogenicity. Review status: criteria provided, conflicting classifications (1 of 4 stars). 7 submissions from 7 submitters: Uncertain significance (1); Benign (1); Likely benign (5). Last evaluated 2026-09-09.

Conditions:
NF1-related disorder. Also called: NF1-related condition. Identifiers: MedGen CN379171.
Hereditary cancer-predisposing syndrome. Also called: Tumor predisposition; Neoplastic Syndromes, Hereditary; Hereditary Cancer Syndrome; Hereditary neoplastic syndrome. Identifiers: Orphanet 140162, MedGen C0027672, MeSH D009386, MONDO:0015356.
Neurofibromatosis, type 1 (NF1). Also called: Peripheral type neurofibromatosis; Neurofibromatosis, type I; NEUROFIBROMATOSIS, TYPE I, SOMATIC; VON RECKLINGHAUSEN DISEASE. Identifiers: Orphanet 636, MedGen C0027831, MONDO:0018975, OMIM 162200. Disease mechanism: loss of function.

Allele frequency attached by ClinVar (database versions not stated): gnomAD exomes below 0.00001; gnomAD 0.00001 and 0.00002; TOPMed 0.00002.
gnomAD v4.1: 6 of 1,606,376 alleles (0.00037%); highest among the groups gnomAD compares: Non-Finnish European, 0.00042%; no homozygotes.

Submissions (7):

PreventionGenetics, part of Exact Sciences
Classification: Likely benign for NF1-related condition. Last evaluated: 2026-09-09. Review status: criteria provided, single submitter. Criteria: ACMG Guidelines, 2015. Collection method: clinical testing. Allele origin: germline.
Comment: This variant is classified as likely benign based on ACMG/AMP sequence variant interpretation guidelines (Richards et al. 2015 PMID: 25741868, with internal and published modifications).

Myriad Genetics, Inc.
Classification: Benign for Neurofibromatosis, type 1. Last evaluated: 2026-05-15. Review status: criteria provided, single submitter. Criteria: Myriad Autosomal Dominant, Autosomal Recessive and X-Linked Classification Criteria (2023). Collection method: clinical testing. Allele origin: unknown.
Comment: This variant is considered benign. This variant is a silent/synonymous amino acid change and it is not expected to impact splicing.

Labcorp Genetics (formerly Invitae), Labcorp
Classification: Likely benign for Neurofibromatosis, type 1. Last evaluated: 2025-12-22. Review status: criteria provided, single submitter. Criteria: Invitae Variant Classification Sherloc (09022015). Collection method: clinical testing. Allele origin: germline.

CeGaT Center for Human Genetics Tuebingen
Classification: Likely benign. Last evaluated: 2025-09-01. Review status: criteria provided, single submitter. Criteria: CeGaT Center For Human Genetics Tuebingen Variant Classification Criteria Version 2. Collection method: clinical testing. Allele origin: germline. Affected: yes. Observed: 1 variant allele.
Comment: NF1: BP4, BP7

Quest Diagnostics Nichols Institute San Juan Capistrano
Classification: Likely benign. Last evaluated: 2025-07-02. Review status: criteria provided, single submitter. Criteria: Quest Diagnostics criteria. Collection method: clinical testing. Allele origin: unknown.

Sema4
Classification: Uncertain significance for Hereditary cancer-predisposing syndrome. Last evaluated: 2021-12-01. Review status: criteria provided, single submitter. Criteria: Sema4 Curation Guidelines. Collection method: curation. Allele origin: germline.
Comment: To the best of our knowledge, the NF1 c.1701A>G (p.V567=) has not been reported in individuals with NF1-related disease. This variant is not reported in the large and broad cohorts of the Genome Aggregation Database (PMID: 32461654). The variant has been reported in ClinVar (Variation ID: 187554). The evidence is insufficient to meet ACMG/AMP criteria for classifying the variant as benign or pathogenic. Thus, the clinical significance of this variant is currently uncertain.

Ambry Genetics
Classification: Likely benign for Hereditary cancer-predisposing syndrome. Last evaluated: 2014-12-16. Review status: criteria provided, single submitter. Criteria: Ambry Autosomal Dominant and X-Linked criteria (10/2015). Collection method: clinical testing. Allele origin: germline. Observed: 1 variant allele.